The following is an entry in ClinVar:

NM_017617.5(NOTCH1):c.2244C>A (p.Thr748=)

Gene: NOTCH1 (notch receptor 1; minus strand). Cytogenetic location: 9q34.3.
Variant type: single nucleotide variant.
Coding change: c.2244C>A on transcript NM_017617.5 (MANE Select); coding-DNA position 2244, C replaced by A.
Protein change: p.Thr748=; no amino-acid change (threonine 748 retained).
Molecular consequence: synonymous variant.
Genome position (GRCh38, 1-based): chr9:136,513,501, G>T on the plus strand (C>A on the coding strand, the complement: NOTCH1 is on the minus strand). VCF-style: chr9-136513501-G-T. GRCh37 (hg19) VCF-style: chr9-139407953-G-T.
Other names: c.2244C>A, p.Thr748= (LRG_1122t1).
Identifiers: ClinVar variation 508174 (VCV000508174.3), dbSNP rs1344101185, ClinGen allele CA467833589.

ClinVar aggregate classification (germline): Likely benign. Review status: criteria provided, multiple submitters, no conflicts (2 of 4 stars). 2 submissions from 2 submitters: Likely benign (2). Last evaluated 2024-04-09.

Conditions:
Adams-Oliver syndrome 5 (AOS5). Identifiers: Orphanet 974, MedGen C4014970, MONDO:0014459, OMIM 616028.

Allele frequency attached by ClinVar (database versions not stated): gnomAD exomes below 0.00001; TOPMed 0.00001.
gnomAD v4.1: 1 of 1,613,154 alleles (0.000062%); highest among the groups gnomAD compares: Non-Finnish European, 0.000085%; no homozygotes.

Submissions (2):

Labcorp Genetics (formerly Invitae), Labcorp
Classification: Likely benign for Adams-Oliver syndrome 5. Last evaluated: 2024-04-09. Review status: criteria provided, single submitter. Criteria: Invitae Variant Classification Sherloc (09022015). Collection method: clinical testing. Allele origin: germline.

GeneDx
Classification: Likely benign. Last evaluated: 2017-11-20. Review status: criteria provided, single submitter. Criteria: GeneDx Variant Classification (06012015). Collection method: clinical testing. Allele origin: germline. Affected: yes.
Comment: This variant is considered likely benign or benign based on one or more of the following criteria: it is a conservative change, it occurs at a poorly conserved position in the protein, it is predicted to be benign by multiple in silico algorithms, and/or has population frequency not consistent with disease.